The following is an entry in ClinVar:

NM_001113378.2(FANCI):c.284T>A (p.Leu95Gln)

Gene: FANCI (FA complementation group I; plus strand). Cytogenetic location: 15q26.1.
Variant type: single nucleotide variant.
Coding change: c.284T>A on transcript NM_001113378.2 (MANE Select); coding-DNA position 284, T replaced by A.
Protein change: p.Leu95Gln; replaces leucine 95 with glutamine.
Molecular consequence: missense variant.
Genome position (GRCh38, 1-based): chr15:89,260,839, T>A. VCF-style: chr15-89260839-T-A. GRCh37 (hg19) VCF-style: chr15-89804070-T-A.
Other names: c.5T>A, p.Leu2Gln (NM_001376910.1); c.284T>A, p.Leu95Gln (NM_001376911.1, NM_018193.3); short protein forms L95Q, L2Q.
Identifiers: ClinVar variation 456211 (VCV000456211.10), dbSNP rs201553891, ClinGen allele CA7722549.

ClinVar aggregate classification (germline): Uncertain significance. Review status: criteria provided, multiple submitters, no conflicts (2 of 4 stars). 2 submissions from 2 submitters: Uncertain significance (2). Last evaluated 2024-12-02.

Conditions:
Fanconi anemia (FA). Also called: Fanconi's anemia. Identifiers: Orphanet 84, MedGen C0015625, MeSH D005199, MONDO:0019391.
Fanconi anemia complementation group I (FANCI). Also called: FANCI-Related Fanconi Anemia. Identifiers: Orphanet 84, MedGen C1836861, MONDO:0012186, OMIM 609053.

Allele frequency attached by ClinVar (database versions not stated): gnomAD 0.00003; TOPMed 0.00006; ExAC 0.00012; 1000 Genomes Project 0.00020; 1000 Genomes Project 30x 0.00031.
gnomAD v4.1: 23 of 1,613,736 alleles (0.0014%); highest among the groups gnomAD compares: East Asian, 0.049%; no homozygotes.

Submissions (2):

Labcorp Genetics (formerly Invitae), Labcorp
Classification: Uncertain significance for Fanconi anemia. Last evaluated: 2024-12-02. Review status: criteria provided, single submitter. Criteria: Invitae Variant Classification Sherloc (09022015). Collection method: clinical testing. Allele origin: germline.
Comment: This sequence change replaces leucine, which is neutral and non-polar, with glutamine, which is neutral and polar, at codon 95 of the FANCI protein (p.Leu95Gln). This variant is present in population databases (rs201553891, gnomAD 0.1%). This variant has not been reported in the literature in individuals affected with FANCI-related conditions. ClinVar contains an entry for this variant (Variation ID: 456211). Invitae Evidence Modeling of protein sequence and biophysical properties (such as structural, functional, and spatial information, amino acid conservation, physicochemical variation, residue mobility, and thermodynamic stability) indicates that this missense variant is expected to disrupt FANCI protein function with a positive predictive value of 80%. In summary, the available evidence is currently insufficient to determine the role of this variant in disease. Therefore, it has been classified as a Variant of Uncertain Significance.

Fulgent Genetics
Classification: Uncertain significance for Fanconi anemia complementation group I. Last evaluated: 2024-02-16. Review status: criteria provided, single submitter. Criteria: ACMG Guidelines, 2015. Collection method: clinical testing. Allele origin: germline.